The following is an entry in ClinVar:

NM_001378418.1(TCF20):c.4364del (p.Thr1455fs)

Gene: TCF20 (transcription factor 20; minus strand). Cytogenetic location: 22q13.2.
Variant type: Deletion.
Coding change: c.4364del on transcript NM_001378418.1 (MANE Select); coding-DNA position 4364, one base deleted (C; older notation c.4364delC).
Protein change: p.Thr1455fs; shifts the reading frame from threonine 1455.
Molecular consequence: frameshift variant.
Genome position (GRCh38, 1-based): chr22:42,210,942, G deleted on the plus strand (C on the coding strand, the reverse complement: TCF20 is on the minus strand). VCF-style (leftmost placement, unchanged base first): chr22-42210941-AG-A. GRCh37 (hg19) VCF-style: chr22-42606947-AG-A.
Other names: c.4364del, p.Thr1455fs (NM_005650.4, NM_181492.3); short protein forms T1455fs.
Identifiers: ClinVar variation 4853830 (VCV004853830.1).

ClinVar aggregate classification (germline): Pathogenic (1 of 4 stars; one submission).

Conditions:
Developmental delay with variable intellectual impairment and behavioral abnormalities. Identifiers: MedGen C5193092, MONDO:0032745, OMIM 618430.

Submission:

Institute of Human Genetics, Heidelberg University
Classification: Pathogenic for Developmental delay with variable intellectual impairment and behavioral abnormalities. Last evaluated: 2026-05-13. Review status: criteria provided, single submitter. Criteria: ACMG Guidelines, 2015. Collection method: clinical testing. Allele origin: de novo. Affected: yes. Observed: 1 variant allele.
Comment: PVS1, PS2_SUP, PM2_SUP